The following is an entry in ClinVar:

NC_000021.8:g.(?_36231761)_(36231885_?)del

Gene: RUNX1 (RUNX family transcription factor 1; minus strand). Cytogenetic location: 21q22.12.
Variant type: Deletion.
Identifiers: ClinVar variation 1067688 (VCV001067688.6).

ClinVar aggregate classification (germline): Pathogenic (1 of 4 stars; one submission).

Conditions:
Hereditary thrombocytopenia and hematological cancer predisposition syndrome associated with RUNX1. Also called: PLATELET DISORDER, ASPIRIN-LIKE; Familial Platelet Disorder with Propensity to Acute Myelogenous Leukemia; Familial thrombocytopenia with propensity to acute myelogenous leukemia; RUNX1 Familial Platelet Disorder with Associated Myeloid Malignancies. Identifiers: Orphanet 71290, MedGen C1832388, MeSH C563324, MONDO:0100083, OMIM 601399.

Submission:

Labcorp Genetics (formerly Invitae), Labcorp
Classification: Pathogenic for Hereditary thrombocytopenia and hematological cancer predisposition syndrome associated with RUNX1. Last evaluated: 2022-01-12. Review status: criteria provided, single submitter. Criteria: Invitae Variant Classification Sherloc (09022015). Collection method: clinical testing. Allele origin: germline.
Comment: For these reasons, this variant has been classified as Pathogenic. This variant disrupts a region of the RUNX1 protein in which other variant(s) (p.Arg201Gln) have been determined to be pathogenic (PMID: 10508512, 11830488, 21725049, 22898599, 25490895, 27112265). This suggests that this is a clinically significant region of the protein, and that variants that disrupt it are likely to be disease-causing. A similar copy number variant has been observed in individual(s) with leukemia and/or thrombocytopenia (PMID: 19946261, 31309983). This variant is a gross deletion of the genomic region encompassing exon(s) 6 of the RUNX1 gene. This variant would be expected to be in-frame, preserving the integrity of the reading frame.

Literature cited by the submitters: PubMed 10508512; PubMed 11830488; PubMed 21725049; PubMed 22898599; PubMed 25490895; PubMed 27112265; PubMed 19946261; PubMed 31309983.